The following is an entry in ClinVar:

NM_001377.3(DYNC2H1):c.12156+187T>C

Gene: DYNC2H1 (dynein cytoplasmic 2 heavy chain 1; plus strand). Cytogenetic location: 11q22.3.
Variant type: single nucleotide variant.
Coding change: c.12156+187T>C on transcript NM_001377.3 (MANE Select); 187 bases into the intron after coding-DNA position 12156, T replaced by C.
Molecular consequence: intron variant.
Genome position (GRCh38, 1-based): chr11:103,358,546, T>C. VCF-style: chr11-103358546-T-C. GRCh37 (hg19) VCF-style: chr11-103229274-T-C.
Other names: c.12177+187T>C (NM_001080463.2).
Identifiers: ClinVar variation 669930 (VCV000669930.2), dbSNP rs2514407, ClinGen allele CA15689200.

ClinVar aggregate classification (germline): Benign. Review status: criteria provided, multiple submitters, no conflicts (2 of 4 stars). 2 submissions from 2 submitters: Benign (2). Last evaluated 2018-06-14.

Allele frequency attached by ClinVar (database versions not stated): 1000 Genomes Project 30x 0.26530; 1000 Genomes Project 0.26857; TOPMed 0.31577; gnomAD 0.32984 and 0.33014.
gnomAD v4.1: 50,296 of 152,118 alleles (33%); highest among the groups gnomAD compares: Non-Finnish European, 44%; 10,011 homozygotes.

Submissions (2):

GeneDx
Classification: Benign. Last evaluated: 2018-06-14. Review status: criteria provided, single submitter. Criteria: GeneDx Variant Classification (06012015). Collection method: clinical testing. Allele origin: germline. Affected: yes.
Comment: This variant is considered likely benign or benign based on one or more of the following criteria: it is a conservative change, it occurs at a poorly conserved position in the protein, it is predicted to be benign by multiple in silico algorithms, and/or has population frequency not consistent with disease.

Breakthrough Genomics
Classification: Benign. Review status: criteria provided, single submitter. Criteria: ACMG Guidelines, 2015. Collection method: not provided. Allele origin: germline. Inheritance: Autosomal recessive inheritance. Affected: yes.